The following is an entry in ClinVar:

ClinVar aggregate classification (germline): Pathogenic/Likely pathogenic. Review status: criteria provided, multiple submitters, no conflicts (2 of 4 stars). 3 submissions from 3 submitters: Pathogenic (1); Likely pathogenic (2). Last evaluated 2025-08-01.

Conditions:
Cardiovascular phenotype. Identifiers: MedGen CN230736.
Hereditary cancer-predisposing syndrome. Also called: Neoplastic Syndromes, Hereditary; Tumor predisposition; Hereditary Cancer Syndrome; Hereditary neoplastic syndrome. Identifiers: Orphanet 140162, MedGen C0027672, MeSH D009386, MONDO:0015356.
Neurofibromatosis-Noonan syndrome (NFNS). Also called: NEUROFIBROMATOSIS WITH NOONAN PHENOTYPE. Identifiers: Orphanet 638, MedGen C2931482, MONDO:0011035, OMIM 601321. Disease mechanism: loss of function.

Submissions (3):

Quest Diagnostics Nichols Institute San Juan Capistrano
Classification: Likely pathogenic. Last evaluated: 2025-08-01. Review status: criteria provided, single submitter. Criteria: Quest Diagnostics criteria. Collection method: clinical testing. Allele origin: unknown.
Comment: The NF1 c.889-1del variant disrupts a canonical splice-donor site and is predicted to interfere with normal NF1 mRNA splicing. This variant has not been reported in individuals with NF1-related conditions in the published literature. This variant has not been reported in large, multi-ethnic general populations (Genome Aggregation Database). Based on the available information, this variant is classified as likely pathogenic.

3billion
Classification: Pathogenic for Neurofibromatosis-Noonan syndrome. Last evaluated: 2023-02-23. Review status: criteria provided, single submitter. Criteria: ACMG Guidelines, 2015. Collection method: clinical testing. Allele origin: unknown. Affected: yes.
Comment: The variant is not observed in the gnomAD v2.1.1 dataset. This variant was predicted to alter splicing and result in a loss or disruption of normal protein function. Multiple pathogenic loss-of-function variants are reported downstream of the variant. The variant has been reported to be associated with NF1 related disorder (ClinVar ID: VCV001765006). Therefore, this variant is classified as Pathogenic according to the recommendation of ACMG/AMP guideline.

Ambry Genetics
Classification: Likely pathogenic for Cardiovascular phenotype; Hereditary cancer-predisposing syndrome. Last evaluated: 2020-12-21. Review status: criteria provided, single submitter. Criteria: Ambry Variant Classification Scheme 2023. Collection method: clinical testing. Allele origin: germline.
Comment: The c.889-1delG intronic variant, located in intron 8 of the NF1 gene, results from a deletion of one nucleotide within intron 8 of the NF1 gene. Alterations that disrupt the canonical splice site are expected to result in aberrant splicing. In silico splice site analysis predicts that this alteration will weaken the native splice acceptor site. The resulting transcript is predicted to be in-frame and is not expected to trigger nonsense-mediated mRNAdecay; however, direct evidence is unavailable. The exact functional effect of the missing amino acids is unknown; however, the impacted region is critical for protein function (Ambry internal data). Another alteration impacting the same acceptor site (c.889-2A>G) has been identified in multiple individuals and families with neurofibromatosis type 1 and has been shown via RT-PCR studies to cause aberrant splicing (Klose A et al. Am. J. Med. Genet., 1999 Mar;83:6-12; Pros E et al. Hum. Mutat., 2008 Sep;29:E173-93; Messiaen L et al. Hum. Mutat., 2011 Feb;32:213-9; Xu W et al. Int. J. Mol. Med., 2014 Jul;34:53-60). c.889-1delG was not reported in population-based cohorts in the Genome Aggregation Database (gnomAD). This nucleotide position is highly conserved in available vertebrate species. Based on the majority of available evidence to date, this variant is likely to be pathogenic.

NM_001042492.3(NF1):c.889-1del

Gene: NF1 (neurofibromin 1; plus strand). Cytogenetic location: 17q11.2.
Variant type: Deletion.
Coding change: c.889-1del on transcript NM_001042492.3 (MANE Select); the canonical splice acceptor site of the intron before coding-DNA position 889, one base deleted (G; older notation c.889-1delG).
Molecular consequence: splice acceptor variant.
Genome position (GRCh38, 1-based): chr17:31,200,421, G deleted. VCF-style (leftmost placement, unchanged base first): chr17-31200420-AG-A. GRCh37 (hg19) VCF-style: chr17-29527438-AG-A.
Other names: c.889-1delG (NM_000267.3); c.889-1del (NM_000267.4, NM_001128147.3, NM_000267.3).
Identifiers: ClinVar variation 1765006 (VCV001765006.4), dbSNP rs2544793215, ClinGen allele CA2580092777.